The following is an entry in ClinVar:

NM_005802.5(TOPORS):c.1327G>C (p.Asp443His)

Gene: TOPORS (TOP1 binding arginine/serine rich protein, E3 ubiquitin ligase; minus strand). Cytogenetic location: 9p21.1.
Variant type: single nucleotide variant.
Coding change: c.1327G>C on transcript NM_005802.5 (MANE Select); coding-DNA position 1327, G replaced by C.
Protein change: p.Asp443His; replaces aspartic acid 443 with histidine.
Molecular consequence: missense variant.
Genome position (GRCh38, 1-based): chr9:32,543,198, C>G on the plus strand (G>C on the coding strand, the complement: TOPORS is on the minus strand). VCF-style: chr9-32543198-C-G. GRCh37 (hg19) VCF-style: chr9-32543196-C-G.
Other names: c.1327G>C (NM_005802.4); c.1132G>C, p.Asp378His (NM_001195622.2); short protein forms D443H, D378H.
Identifiers: ClinVar variation 1397566 (VCV001397566.10), dbSNP rs201027247, ClinGen allele CA373170261.

ClinVar aggregate classification (germline): Uncertain significance. Review status: criteria provided, multiple submitters, no conflicts (2 of 4 stars). 3 submissions from 3 submitters: Uncertain significance (3). Last evaluated 2024-11-04.

Conditions:
Inborn genetic diseases. Identifiers: MedGen C0950123, MeSH D030342.

Allele frequency attached by ClinVar (database versions not stated): TOPMed below 0.00001; gnomAD 0.00001.
gnomAD v4.1: 2 of 1,613,602 alleles (0.00012%); highest among the groups gnomAD compares: African/African-American, 0.0027%; no homozygotes.

Submissions (3):

Labcorp Genetics (formerly Invitae), Labcorp
Classification: Uncertain significance. Last evaluated: 2024-11-04. Review status: criteria provided, single submitter. Criteria: Invitae Variant Classification Sherloc (09022015). Collection method: clinical testing. Allele origin: germline.
Comment: This sequence change replaces aspartic acid, which is acidic and polar, with histidine, which is basic and polar, at codon 443 of the TOPORS protein (p.Asp443His). This variant is not present in population databases (gnomAD no frequency). This variant has not been reported in the literature in individuals affected with TOPORS-related conditions. ClinVar contains an entry for this variant (Variation ID: 1397566). An algorithm developed to predict the effect of missense changes on protein structure and function (PolyPhen-2) suggests that this variant is likely to be disruptive. In summary, the available evidence is currently insufficient to determine the role of this variant in disease. Therefore, it has been classified as a Variant of Uncertain Significance.

Ambry Genetics
Classification: Uncertain significance for Inborn genetic diseases. Last evaluated: 2022-10-03. Review status: criteria provided, single submitter. Criteria: Ambry Variant Classification Scheme 2023. Collection method: clinical testing. Allele origin: germline.

Blueprint Genetics
Classification: Uncertain significance. Last evaluated: 2021-08-26. Review status: criteria provided, single submitter. Criteria: ACMG Guidelines, 2015. Collection method: clinical testing. Allele origin: germline.